The following is an entry in ClinVar:

ClinVar aggregate classification (germline): Uncertain significance (1 of 4 stars; one submission).

Allele frequency attached by ClinVar (database versions not stated): gnomAD 0.00001; gnomAD exomes 0.00001 and 0.00003; TOPMed 0.00001; ExAC 0.00005.
gnomAD v4.1: 21 of 1,613,902 alleles (0.0013%); highest among the groups gnomAD compares: Non-Finnish European, 0.0017%; no homozygotes.

Submission:

GeneDx
Classification: Uncertain significance. Last evaluated: 2019-09-24. Review status: criteria provided, single submitter. Criteria: GeneDx Variant Classification Process June 2021. Collection method: clinical testing. Allele origin: germline. Affected: yes.
Comment: In silico analysis, which includes protein predictors and evolutionary conservation, supports a deleterious effect; Has not been previously published as pathogenic or benign to our knowledge

NM_003392.7(WNT5A):c.251A>T (p.His84Leu)

Gene: WNT5A (Wnt family member 5A; minus strand). Cytogenetic location: 3p14.3.
Variant type: single nucleotide variant.
Coding change: c.251A>T on transcript NM_003392.7 (MANE Select); coding-DNA position 251, A replaced by T.
Protein change: p.His84Leu; replaces histidine 84 with leucine.
Molecular consequence: missense variant.
Genome position (GRCh38, 1-based): chr3:55,479,454, T>A on the plus strand (A>T on the coding strand, the complement: WNT5A is on the minus strand). VCF-style: chr3-55479454-T-A. GRCh37 (hg19) VCF-style: chr3-55513482-T-A.
Other names: c.206A>T, p.His69Leu (NM_001256105.1, NM_001377271.1, NM_001377272.1); short protein forms H69L, H84L.
Identifiers: ClinVar variation 1312485 (VCV001312485.2), dbSNP rs749398374, ClinGen allele CA2459086.